The following is an entry in ClinVar:

ClinVar aggregate classification (germline): Pathogenic (1 of 4 stars; one submission).

Submission:

Labcorp Genetics (formerly Invitae), Labcorp
Classification: Pathogenic. Last evaluated: 2024-03-04. Review status: criteria provided, single submitter. Criteria: Invitae Variant Classification Sherloc (09022015). Collection method: clinical testing. Allele origin: germline.
Comment: This sequence change creates a premature translational stop signal (p.Gln76*) in the CHM gene. It is expected to result in an absent or disrupted protein product. Loss-of-function variants in CHM are known to be pathogenic (PMID: 9067750, 23811034). This variant is not present in population databases (gnomAD no frequency). This premature translational stop signal has been observed in individual(s) with choroideremia (PMID: 27070432). ClinVar contains an entry for this variant (Variation ID: 942733). For these reasons, this variant has been classified as Pathogenic.

Literature cited by the submitters: PubMed 9067750; PubMed 23811034; PubMed 27070432.

NM_000390.4(CHM):c.226C>T (p.Gln76Ter)

Gene: CHM (CHM Rab escort protein; minus strand). Cytogenetic location: Xq21.2.
Variant type: single nucleotide variant.
Coding change: c.226C>T on transcript NM_000390.4 (MANE Select); coding-DNA position 226, C replaced by T.
Protein change: p.Gln76Ter; replaces glutamine 76 with a stop codon.
Molecular consequence: nonsense. On other transcripts: 5 prime UTR variant (4).
Genome position (GRCh38, 1-based): chrX:85,978,855, G>A on the plus strand (C>T on the coding strand, the complement: CHM is on the minus strand). VCF-style: chrX-85978855-G-A. GRCh37 (hg19) VCF-style: chrX-85233859-G-A.
Other names: c.226C>T, p.Gln76Ter (NM_001145414.4); c.-219C>T (NM_001320959.1, NM_001362517.1); c.-215C>T (NM_001362518.2, NM_001362519.1); short protein forms Q76*.
Identifiers: ClinVar variation 942733 (VCV000942733.9), dbSNP rs1931439989, ClinGen allele CA413788086.